The following is an entry in ClinVar:

NM_001384910.1(GUCA1A):c.573G>C (p.Glu191Asp)

Genes: GUCA1A (guanylate cyclase activator 1A; plus strand), GUCA1ANB-GUCA1A (GUCA1ANB-GUCA1A readthrough; plus strand). Cytogenetic location: 6p21.1.
Variant type: single nucleotide variant.
Coding change: c.573G>C on transcript NM_001384910.1 (MANE Select); coding-DNA position 573, G replaced by C.
Protein change: p.Glu191Asp; replaces glutamic acid 191 with aspartic acid.
Molecular consequence: missense variant.
Genome position (GRCh38, 1-based): chr6:42,179,370, G>C. VCF-style: chr6-42179370-G-C. GRCh37 (hg19) VCF-style: chr6-42147108-G-C.
Other names: c.573G>C, p.Glu191Asp (NM_000409.5, NM_001319061.2, NM_001319062.2); short protein forms E191D.
Identifiers: ClinVar variation 1366513 (VCV001366513.8), dbSNP rs757375843, ClinGen allele CA364110777.

ClinVar aggregate classification (germline): Uncertain significance (1 of 4 stars; one submission).

Submission:

Labcorp Genetics (formerly Invitae), Labcorp
Classification: Uncertain significance. Last evaluated: 2022-02-21. Review status: criteria provided, single submitter. Criteria: Invitae Variant Classification Sherloc (09022015). Collection method: clinical testing. Allele origin: germline.
Comment: Algorithms developed to predict the effect of missense changes on protein structure and function output the following: SIFT: "Not Available"; PolyPhen-2: "Not Available"; Align-GVGD: "Not Available". The aspartic acid amino acid residue is found in multiple mammalian species, which suggests that this missense change does not adversely affect protein function. In summary, the available evidence is currently insufficient to determine the role of this variant in disease. Therefore, it has been classified as a Variant of Uncertain Significance. This variant has not been reported in the literature in individuals affected with GUCA1A-related conditions. This variant is not present in population databases (gnomAD no frequency). This sequence change replaces glutamic acid, which is acidic and polar, with aspartic acid, which is acidic and polar, at codon 191 of the GUCA1A protein (p.Glu191Asp).